The following is an entry in ClinVar:

ClinVar aggregate classification (germline): Benign/Likely benign. Review status: criteria provided, multiple submitters, no conflicts (2 of 4 stars). 5 submissions from 5 submitters: Benign (3); Likely benign (2). Last evaluated 2026-01-31.

Conditions:
VPS13A-related neurodegenerative disease. Also called: LEVINE-CRITCHLEY SYNDROME; VPS13A Disease; Choreaacanthocytosis; ACANTHOCYTOSIS WITH NEUROLOGIC DISORDER; Choreoacanthocytosis; Chorea-acanthocytosis. Identifiers: Orphanet 2388, MedGen C0393576, MONDO:0008695, OMIM 200150.

Allele frequency attached by ClinVar (database versions not stated): gnomAD exomes 0.00338; ExAC 0.00405; gnomAD 0.01287 and 0.01375; ESP Exome Variant Server 0.01407; 1000 Genomes Project 0.01438; TOPMed 0.01502; 1000 Genomes Project 30x 0.01624.
gnomAD v4.1: 3,847 of 1,613,398 alleles (0.24%); highest among the groups gnomAD compares: African/African-American, 4.5%; 90 homozygotes.

Submissions (8):

Labcorp Genetics (formerly Invitae), Labcorp
Classification: Benign. Last evaluated: 2026-01-31. Review status: criteria provided, single submitter. Criteria: Invitae Variant Classification Sherloc (09022015). Collection method: clinical testing. Allele origin: germline.

Mayo Clinic Laboratories, Mayo Clinic
Classification: Benign. Last evaluated: 2023-04-12. Review status: criteria provided, single submitter. Criteria: ACMG Guidelines, 2015. Collection method: clinical testing. Allele origin: germline. Observed: 2 variant alleles.
Comment: BS1, BS2, BP4, BP7

GeneDx
Classification: Likely benign. Last evaluated: 2021-06-11. Review status: criteria provided, single submitter. Criteria: GeneDx Variant Classification Process June 2021. Collection method: clinical testing. Allele origin: germline. Affected: yes.

Illumina Laboratory Services, Illumina
Classification: Benign for VPS13A-related neurodegenerative disease. Last evaluated: 2018-01-13. Review status: criteria provided, single submitter. Criteria: ICSL Variant Classification Criteria 13 December 2019. Collection method: clinical testing. Allele origin: germline.
Comment: This variant was observed in the ICSL laboratory as part of a predisposition screen in an ostensibly healthy population. It had not been previously curated by ICSL or reported in the Human Gene Mutation Database (HGMD: prior to June 1st, 2018), and was therefore a candidate for classification through an automated scoring system. Utilizing variant allele frequency, disease prevalence and penetrance estimates, and inheritance mode, an automated score was calculated to assess if this variant is too frequent to cause the disease. Based on the score and internal cut-off values, a variant classified as benign is not then subjected to further curation. The score for this variant resulted in a classification of benign for this disease.

Breakthrough Genomics
Classification: Likely benign. Review status: criteria provided, single submitter. Criteria: ACMG Guidelines, 2015. Collection method: not provided. Allele origin: germline. Inheritance: Autosomal recessive inheritance. Affected: yes.

Dr. Peter K. Rogan Lab, Western University
No classification provided (evidence only). Condition: Sarcoma. Review status: no classification provided. Collection method: in vitro. Allele origin: not applicable. Functional consequence: retained intron. Not counted in ClinVar's aggregate classification.

Dr. Peter K. Rogan Lab, Western University
No classification provided (evidence only). Condition: Sarcoma. Review status: no classification provided. Collection method: in vitro. Allele origin: not applicable. Functional consequence: retained intron. Not counted in ClinVar's aggregate classification.

Dr. Peter K. Rogan Lab, Western University
No classification provided (evidence only). Condition: Gastric cancer. Review status: no classification provided. Collection method: in vitro. Allele origin: not applicable. Functional consequence: retained intron. Not counted in ClinVar's aggregate classification.

NM_033305.3(VPS13A):c.2391A>G (p.Pro797=)

Gene: VPS13A (vacuolar protein sorting 13 homolog A; plus strand). Cytogenetic location: 9q21.2.
Variant type: single nucleotide variant.
Coding change: c.2391A>G on transcript NM_033305.3 (MANE Select); coding-DNA position 2391, A replaced by G.
Protein change: p.Pro797=; no amino-acid change (proline 797 retained).
Molecular consequence: synonymous variant.
Genome position (GRCh38, 1-based): chr9:77,260,188, A>G. VCF-style: chr9-77260188-A-G. GRCh37 (hg19) VCF-style: chr9-79875104-A-G.
Other names: p.Pro797=; c.2391A>G, p.Pro797= (NM_001018037.2, NM_001018038.3, NM_015186.4).
Identifiers: ClinVar variation 367366 (VCV000367366.20), dbSNP rs73466058, ClinGen allele CA5091938.